The following is an entry in ClinVar:

ClinVar aggregate classification (germline): Uncertain significance (1 of 4 stars; one submission).

Conditions:
Congenital myopathy with fiber type disproportion. Also called: Congenital fiber-type disproportion myopathy; Congenital fiber-type disproportion. Identifiers: Orphanet 2020, MedGen C0546264, MONDO:0009711. Inheritance: all.

Allele frequency attached by ClinVar (database versions not stated): gnomAD exomes below 0.00001.

Submission:

Centre for Mendelian Genomics, University Medical Centre Ljubljana
Classification: Uncertain significance for Congenital myopathy 4A, autosomal dominant. Last evaluated: 2020-03-28. Review status: criteria provided, single submitter. Criteria: ACMG Guidelines, 2015. Collection method: clinical testing. Allele origin: unknown. Affected: yes.
Comment: This variant was classified as: Uncertain significance. The available evidence on this variant's pathogenicity is insufficient or conflicting. The following ACMG criteria were applied in classifying this variant: PM2.

NM_000540.3(RYR1):c.13145G>A (p.Gly4382Asp)

Gene: RYR1 (ryanodine receptor 1; plus strand). Cytogenetic location: 19q13.2.
Variant type: single nucleotide variant.
Coding change: c.13145G>A on transcript NM_000540.3 (MANE Select); coding-DNA position 13145, G replaced by A.
Protein change: p.Gly4382Asp; replaces glycine 4382 with aspartic acid.
Molecular consequence: missense variant.
Genome position (GRCh38, 1-based): chr19:38,565,479, G>A. VCF-style: chr19-38565479-G-A. GRCh37 (hg19) VCF-style: chr19-39056119-G-A.
Other names: c.13130G>A, p.Gly4377Asp (NM_001042723.2); short protein forms G4377D, G4382D.
Identifiers: ClinVar variation 931314 (VCV000931314.3), dbSNP rs1973365556, ClinGen allele CA405673710.